The following is an entry in ClinVar:

NM_001148.6(ANK2):c.4156T>C (p.Phe1386Leu)

Gene: ANK2 (ankyrin 2; plus strand). Cytogenetic location: 4q26.
Variant type: single nucleotide variant.
Coding change: c.4156T>C on transcript NM_001148.6 (MANE Select); coding-DNA position 4156, T replaced by C.
Protein change: p.Phe1386Leu; replaces phenylalanine 1386 with leucine.
Molecular consequence: missense variant.
Genome position (GRCh38, 1-based): chr4:113,343,050, T>C. VCF-style: chr4-113343050-T-C. GRCh37 (hg19) VCF-style: chr4-114264206-T-C.
Other names: c.4129T>C, p.Phe1377Leu (NM_001127493.3); c.4168T>C, p.Phe1390Leu (NM_001354225.2); c.4057T>C, p.Phe1353Leu (NM_001354228.2, NM_001354258.2); c.4135T>C, p.Phe1379Leu (NM_001354230.2); c.4198T>C, p.Phe1400Leu (NM_001354231.2, NM_001354242.2); c.4192T>C, p.Phe1398Leu (NM_001354232.2); c.4153T>C, p.Phe1385Leu (NM_001354235.2, NM_001354246.2, NM_001354265.2); c.4054T>C, p.Phe1352Leu (NM_001354236.2); and 31 more; short protein forms F1311L, F1324L, F1331L, F1339L, F1352L, F1364L, F1379L, F1405L.
Identifiers: ClinVar variation 1738298 (VCV001738298.8), dbSNP rs1327570421, ClinGen allele CA357910957.

ClinVar aggregate classification (germline): Uncertain significance. Review status: criteria provided, multiple submitters, no conflicts (2 of 4 stars). 2 submissions from 2 submitters: Uncertain significance (2). Last evaluated 2025-06-24.

Conditions:
Cardiovascular phenotype. Identifiers: MedGen CN230736.
Long QT syndrome (LQTS). Identifiers: MedGen C0023976, MeSH D008133, MONDO:0002442. Disease mechanism: loss of function. Inheritance: Various modes of inheritance.

Allele frequency attached by ClinVar (database versions not stated): gnomAD exomes below 0.00001; gnomAD 0.00001; TOPMed 0.00001.
gnomAD v4.1: 2 of 1,613,908 alleles (0.00012%); highest among the groups gnomAD compares: African/African-American, 0.0027%; no homozygotes.

Submissions (2):

Ambry Genetics
Classification: Uncertain significance for Cardiovascular phenotype. Last evaluated: 2025-06-24. Review status: criteria provided, single submitter. Criteria: Ambry Variant Classification Scheme 2023. Collection method: clinical testing. Allele origin: germline.
Comment: The p.F1386L variant (also known as c.4156T>C), located in coding exon 34 of the ANK2 gene, results from a T to C substitution at nucleotide position 4156. The phenylalanine at codon 1386 is replaced by leucine, an amino acid with highly similar properties. This amino acid position is highly conserved in available vertebrate species. In addition, the in silico prediction for this alteration is inconclusive. Since supporting evidence is limited at this time, the clinical significance of this alteration remains unclear.

Labcorp Genetics (formerly Invitae), Labcorp
Classification: Uncertain significance for Long QT syndrome. Last evaluated: 2024-12-28. Review status: criteria provided, single submitter. Criteria: Invitae Variant Classification Sherloc (09022015). Collection method: clinical testing. Allele origin: germline.
Comment: This sequence change replaces phenylalanine, which is neutral and non-polar, with leucine, which is neutral and non-polar, at codon 1386 of the ANK2 protein (p.Phe1386Leu). This variant is not present in population databases (gnomAD no frequency). This variant has not been reported in the literature in individuals affected with ANK2-related conditions. ClinVar contains an entry for this variant (Variation ID: 1738298). Invitae Evidence Modeling of protein sequence and biophysical properties (such as structural, functional, and spatial information, amino acid conservation, physicochemical variation, residue mobility, and thermodynamic stability) has been performed for this missense variant. However, the output from this modeling did not meet the statistical confidence thresholds required to predict the impact of this variant on ANK2 protein function. In summary, the available evidence is currently insufficient to determine the role of this variant in disease. Therefore, it has been classified as a Variant of Uncertain Significance.